The following is an entry in ClinVar:

ClinVar aggregate classification (germline): Benign (1 of 4 stars; one submission).

Conditions:
MELAS syndrome (MELAS). Also called: Juvenile myopathy, encephalopathy, lactic acidosis, stroke. Identifiers: Orphanet 550, MedGen C0162671, MONDO:0010789, OMIM 540000.

Submission:

Wong Mito Lab, Molecular and Human Genetics, Baylor College of Medicine
Classification: Benign for MELAS syndrome. Last evaluated: 2019-07-12. Review status: criteria provided, single submitter. Criteria: Modified ACMG Guidelines (Unpublished). Collection method: clinical testing. Allele origin: germline.
Comment: The NC_012920.1:m.8308A>G variant in MT-TK gene is interpreted to be a Benign variant based on the modified ACMG guidelines (unpublished). This variant meets the following evidence codes reported in the guidelines: BS1, BS2, BP4

Literature cited by the submitters: PubMed 31965079.

NC_012920.1(MT-TK):m.8308A>G

Gene: MT-TK (mitochondrially encoded tRNA lysine; plus strand).
Variant type: single nucleotide variant.
Genome position: chrM-8308-A-G.
Identifiers: ClinVar variation 690066 (VCV000690066.1), dbSNP rs879081228, ClinGen allele CA337097834.
Genomic context (GRCh38, chrMT:8,308, plus strand): 5'-AGGGCCCGTATTTACCCTATAGCACCCCCTCTACCCCCTCTAGAGCCCACTGTAAAGCTA[A>G]CTTAGCATTAACCTTTTAAGTTAAAGATTAAGAGAACCAACACCTCTTTACAGTGAAATG-3'